The following is an entry in ClinVar:

ClinVar aggregate classification (germline): Uncertain significance (1 of 4 stars; one submission).

gnomAD v4.1: 1 of 1,609,312 alleles (0.000062%); highest among the groups gnomAD compares: Non-Finnish European, 0.000085%; no homozygotes.

Submission:

Women's Health and Genetics/Laboratory Corporation of America, LabCorp
Classification: Uncertain significance. Last evaluated: 2024-01-31. Review status: criteria provided, single submitter. Criteria: LabCorp Variant Classification Summary - May 2015. Collection method: clinical testing. Allele origin: germline.
Comment: Variant summary: KANSL1 c.3305C>A (p.Pro1102Gln) results in a non-conservative amino acid change in the encoded protein sequence. Four of five in-silico tools predict a damaging effect of the variant on protein function. The variant allele was found at a frequency of 4.1e-06 in 245154 control chromosomes. The available data on variant occurrences in the general population are insufficient to allow any conclusion about variant significance. To our knowledge, no occurrence of c.3305C>A in individuals affected with Koolen-De Vries Syndrome and no experimental evidence demonstrating its impact on protein function have been reported. No submitters have cited clinical-significance assessments for this variant to ClinVar. Based on the evidence outlined above, the variant was classified as uncertain significance.

NM_015443.4(KANSL1):c.3305C>A (p.Pro1102Gln)

Gene: KANSL1 (KAT8 regulatory NSL complex subunit 1). Cytogenetic location: 17q21.31.
Variant type: single nucleotide variant.
Coding change: c.3305C>A on transcript NM_015443.4 (MANE Select); coding-DNA position 3305, C replaced by A.
Protein change: p.Pro1102Gln; replaces proline 1102 with glutamine.
Molecular consequence: missense variant.
Genome position (GRCh38, 1-based): chr17:46,031,489, G>T on the plus strand (C>A on the coding strand, the complement: KANSL1 is on the minus strand). VCF-style: chr17-46031489-G-T. GRCh37 (hg19) VCF-style: chr17-44108855-G-T.
Other names: c.3302C>A, p.Pro1101Gln (NM_001193465.2, NM_001405856.1, NM_001405857.1 and 1 more transcripts); c.3305C>A, p.Pro1102Gln (NM_001193466.2, NM_001379198.1, NM_001405854.1 and 1 more transcripts); c.3203C>A, p.Pro1068Gln (NM_001405859.1, NM_001405860.1); c.3200C>A, p.Pro1067Gln (NM_001405861.1); c.3173C>A, p.Pro1058Gln (NM_001405872.1, NM_001405873.1, NM_001405874.1); c.3116C>A, p.Pro1039Gln (NM_001405875.1, NM_001405876.1, NM_001405877.1 and 1 more transcripts); c.3113C>A, p.Pro1038Gln (NM_001405879.1, NM_001405880.1); c.3068C>A, p.Pro1023Gln (NM_001405881.1); and 4 more; short protein forms P1023Q, P1038Q, P1039Q, P1058Q, P1067Q, P1068Q, P1101Q, P1102Q.
Identifiers: ClinVar variation 3063731 (VCV003063731.1), dbSNP rs542543248, ClinGen allele CA8618324.